The following is an entry in ClinVar:

NM_020461.4(TUBGCP6):c.5444A>C (p.Tyr1815Ser)

Gene: TUBGCP6 (tubulin gamma complex component 6; minus strand). Cytogenetic location: 22q13.33.
Variant type: single nucleotide variant.
Coding change: c.5444A>C on transcript NM_020461.4 (MANE Select); coding-DNA position 5444, A replaced by C.
Protein change: p.Tyr1815Ser; replaces tyrosine 1815 with serine.
Molecular consequence: missense variant.
Genome position (GRCh38, 1-based): chr22:50,217,752, T>G on the plus strand (A>C on the coding strand, the complement: TUBGCP6 is on the minus strand). VCF-style: chr22-50217752-T-G. GRCh37 (hg19) VCF-style: chr22-50656181-T-G.
Other names: c.5444A>C (NM_020461.3); short protein forms Y1815S.
Identifiers: ClinVar variation 1054083 (VCV001054083.10), dbSNP rs2064438990, ClinGen allele CA412161189.

ClinVar aggregate classification (germline): Uncertain significance. Review status: criteria provided, multiple submitters, no conflicts (2 of 4 stars). 3 submissions from 3 submitters: Uncertain significance (3). Last evaluated 2024-08-11.

Conditions:
Inborn genetic diseases. Identifiers: MedGen C0950123, MeSH D030342.

Allele frequency attached by ClinVar (database versions not stated): gnomAD 0.00001; TOPMed 0.00001.

Submissions (3):

Ambry Genetics
Classification: Uncertain significance for Inborn genetic diseases. Last evaluated: 2024-08-11. Review status: criteria provided, single submitter. Criteria: Ambry Variant Classification Scheme 2023. Collection method: clinical testing. Allele origin: germline.

GeneDx
Classification: Uncertain significance. Last evaluated: 2022-12-13. Review status: criteria provided, single submitter. Criteria: GeneDx Variant Classification Process June 2021. Collection method: clinical testing. Allele origin: germline. Affected: yes.
Comment: Not observed at significant frequency in large population cohorts (gnomAD); In silico analysis supports that this missense variant has a deleterious effect on protein structure/function; Has not been previously published as pathogenic or benign to our knowledge

Labcorp Genetics (formerly Invitae), Labcorp
Classification: Uncertain significance. Last evaluated: 2022-03-19. Review status: criteria provided, single submitter. Criteria: Invitae Variant Classification Sherloc (09022015). Collection method: clinical testing. Allele origin: germline.
Comment: This sequence change replaces tyrosine, which is neutral and polar, with serine, which is neutral and polar, at codon 1815 of the TUBGCP6 protein (p.Tyr1815Ser). This variant is not present in population databases (gnomAD no frequency). In summary, the available evidence is currently insufficient to determine the role of this variant in disease. Therefore, it has been classified as a Variant of Uncertain Significance. This variant has not been reported in the literature in individuals affected with TUBGCP6-related conditions. ClinVar contains an entry for this variant (Variation ID: 1054083). Algorithms developed to predict the effect of missense changes on protein structure and function are either unavailable or do not agree on the potential impact of this missense change (SIFT: "Tolerated"; PolyPhen-2: "Probably Damaging"; Align-GVGD: "Class C0").